The following is an entry in ClinVar:

NM_002979.5(SCP2):c.539A>G (p.His180Arg)

Gene: SCP2 (sterol carrier protein 2; plus strand). Cytogenetic location: 1p32.3.
Variant type: single nucleotide variant.
Coding change: c.539A>G on transcript NM_002979.5 (MANE Select); coding-DNA position 539, A replaced by G.
Protein change: p.His180Arg; replaces histidine 180 with arginine.
Molecular consequence: missense variant.
Genome position (GRCh38, 1-based): chr1:52,974,784, A>G. VCF-style: chr1-52974784-A-G. GRCh37 (hg19) VCF-style: chr1-53440456-A-G.
Other names: c.407A>G, p.His136Arg (NM_001007098.3, NM_001193600.2); c.467A>G, p.His156Arg (NM_001193599.2); c.296A>G, p.His99Arg (NM_001193617.2); c.539A>G, p.His180Arg (NM_001330587.2); short protein forms H136R, H156R, H180R, H99R.
Identifiers: ClinVar variation 1018841 (VCV001018841.6), dbSNP rs1657801839, ClinGen allele CA340380064.

ClinVar aggregate classification (germline): Uncertain significance (1 of 4 stars; one submission).

Allele frequency attached by ClinVar (database versions not stated): gnomAD exomes below 0.00001; TOPMed 0.00001.
gnomAD v4.1: 1 of 1,544,668 alleles (0.000065%); highest among the groups gnomAD compares: Non-Finnish European, 0.00009%; no homozygotes.

Submission:

Labcorp Genetics (formerly Invitae), Labcorp
Classification: Uncertain significance. Last evaluated: 2022-10-17. Review status: criteria provided, single submitter. Criteria: Invitae Variant Classification Sherloc (09022015). Collection method: clinical testing. Allele origin: germline.
Comment: This sequence change replaces histidine, which is basic and polar, with arginine, which is basic and polar, at codon 180 of the SCP2 protein (p.His180Arg). This variant is not present in population databases (gnomAD no frequency). This variant has not been reported in the literature in individuals affected with SCP2-related conditions. ClinVar contains an entry for this variant (Variation ID: 1018841). Algorithms developed to predict the effect of missense changes on protein structure and function are either unavailable or do not agree on the potential impact of this missense change (SIFT: "Deleterious"; PolyPhen-2: "Benign"; Align-GVGD: "Class C0"). In summary, the available evidence is currently insufficient to determine the role of this variant in disease. Therefore, it has been classified as a Variant of Uncertain Significance.